The following is an entry in ClinVar:

NM_007194.4(CHEK2):c.1244T>A (p.Val415Asp)

Gene: CHEK2 (checkpoint kinase 2; minus strand). Cytogenetic location: 22q12.1.
Variant type: single nucleotide variant.
Coding change: c.1244T>A on transcript NM_007194.4 (MANE Select); coding-DNA position 1244, T replaced by A.
Protein change: p.Val415Asp; replaces valine 415 with aspartic acid.
Molecular consequence: missense variant.
Genome position (GRCh38, 1-based): chr22:28,695,725, A>T on the plus strand (T>A on the coding strand, the complement: CHEK2 is on the minus strand). VCF-style: chr22-28695725-A-T. GRCh37 (hg19) VCF-style: chr22-29091713-A-T.
Other names: c.1373T>A, p.Val458Asp (NM_001005735.3); c.581T>A, p.Val194Asp (NM_001257387.3); c.1043T>A, p.Val348Asp (NM_001349956.3); c.1157T>A, p.Val386Asp (NM_145862.3); short protein forms V415D, V458D, V348D, V194D, V386D.
Identifiers: ClinVar variation 419937 (VCV000419937.18), dbSNP rs748555394, ClinGen allele CA10167704.

ClinVar aggregate classification (germline): Uncertain significance. Review status: criteria provided, multiple submitters, no conflicts (2 of 4 stars). 4 submissions from 4 submitters: Uncertain significance (4). Last evaluated 2025-11-22.

Conditions:
Familial cancer of breast. Also called: Hereditary breast cancer; BREAST CANCER, FAMILIAL; hereditary breast carcinoma. Identifiers: Orphanet 227535, MedGen C0346153, MONDO:0016419, OMIM 114480. Disease mechanism: loss of function.
Hereditary cancer-predisposing syndrome. Also called: Hereditary neoplastic syndrome; Tumor predisposition; Neoplastic Syndromes, Hereditary; Hereditary Cancer Syndrome. Identifiers: Orphanet 140162, MedGen C0027672, MeSH D009386, MONDO:0015356.

Allele frequency attached by ClinVar (database versions not stated): gnomAD exomes below 0.00001; ExAC 0.00001.
gnomAD v4.1: 2 of 1,613,580 alleles (0.00012%); highest among the groups gnomAD compares: Non-Finnish European, 0.000085%; no homozygotes.

Submissions (4):

Labcorp Genetics (formerly Invitae), Labcorp
Classification: Uncertain significance for Familial cancer of breast. Last evaluated: 2025-11-22. Review status: criteria provided, single submitter. Criteria: Invitae Variant Classification Sherloc (09022015). Collection method: clinical testing. Allele origin: germline.
Comment: This sequence change replaces valine, which is neutral and non-polar, with aspartic acid, which is acidic and polar, at codon 415 of the CHEK2 protein (p.Val415Asp). This variant is not present in population databases (gnomAD no frequency). This variant has not been reported in the literature in individuals affected with CHEK2-related conditions. ClinVar contains an entry for this variant (Variation ID: 419937). An algorithm developed to predict the effect of missense changes on protein structure and function (PolyPhen-2) suggests that this variant is likely to be disruptive. In summary, the available evidence is currently insufficient to determine the role of this variant in disease. Therefore, it has been classified as a Variant of Uncertain Significance.

Ambry Genetics
Classification: Uncertain significance for Hereditary cancer-predisposing syndrome. Last evaluated: 2025-10-21. Review status: criteria provided, single submitter. Criteria: Ambry Variant Classification Scheme 2023. Collection method: clinical testing. Allele origin: germline.

Color Diagnostics, LLC DBA Color Health
Classification: Uncertain significance for Hereditary cancer-predisposing syndrome. Last evaluated: 2019-07-31. Review status: criteria provided, single submitter. Criteria: ACMG Guidelines, 2015. Collection method: clinical testing. Allele origin: germline.
Comment: This missense variant replaces valine with aspartic acid at codon 415 of the CHEK2 protein. Computational prediction tools and conservation analyses suggest that this variant may have deleterious impact on the protein function. Computational splicing tools suggest that this variant may not impact RNA splicing. To our knowledge, functional assays have not been performed for this variant nor has this variant been reported in individuals affected with hereditary cancer in the literature. This variant has not been identified in the general population by the Genome Aggregation Database (gnomAD). Available evidence is insufficient to determine the role of this variant in disease conclusively. Therefore, this variant is classified as a Variant of Uncertain Significance.

GeneDx
Classification: Uncertain significance. Last evaluated: 2016-07-27. Review status: criteria provided, single submitter. Criteria: GeneDx Variant Classification (06012015). Collection method: clinical testing. Allele origin: germline. Affected: yes.
Comment: This variant is denoted CHEK2 c.1244T>A at the cDNA level, p.Val415Asp (V415D) at the protein level, and results in the change of a Valine to an Aspartic Acid (GTT>GAT). This variant has not, to our knowledge, been published in the literature as pathogenic or benign. CHEK2 Val415Asp was not observed in approximately 6,500 individuals of European and African American ancestry in the NHLBI Exome Sequencing Project, suggesting it is not a common benign variant in these populations. Since Valine and Aspartic Acid differ in polarity, charge, size or other properties, this is considered a non-conservative amino acid substitution. CHEK2 Val415Asp occurs at a position that is conserved across species and is located in the protein kinase domain (Desrichard 2011, Roeb 2012). In silico analyses predict that this variant is probably damaging to protein structure and function. Based on currently available evidence, it is unclear whether CHEK2 Val415Asp is a pathogenic or benign variant. We consider it to be a variant of uncertain significance.